The following is an entry in ClinVar:

ClinVar aggregate classification (germline): Uncertain significance (1 of 4 stars; one submission).

Allele frequency attached by ClinVar (database versions not stated): gnomAD 0.00001; gnomAD exomes 0.00001.
gnomAD v4.1: 4 of 1,608,282 alleles (0.00025%); highest among the groups gnomAD compares: Admixed American, 0.0067%; no homozygotes.

Submission:

Labcorp Genetics (formerly Invitae), Labcorp
Classification: Uncertain significance. Last evaluated: 2021-04-23. Review status: criteria provided, single submitter. Criteria: Invitae Variant Classification Sherloc (09022015). Collection method: clinical testing. Allele origin: germline.
Comment: In summary, the available evidence is currently insufficient to determine the role of this variant in disease. Therefore, it has been classified as a Variant of Uncertain Significance. Algorithms developed to predict the effect of missense changes on protein structure and function (SIFT, PolyPhen-2, Align-GVGD) all suggest that this variant is likely to be disruptive, but these predictions have not been confirmed by published functional studies and their clinical significance is uncertain. This variant has not been reported in the literature in individuals with RGS9-related conditions. This variant is not present in population databases (ExAC no frequency). This sequence change replaces lysine with isoleucine at codon 322 of the RGS9 protein (p.Lys322Ile). The lysine residue is highly conserved and there is a moderate physicochemical difference between lysine and isoleucine.

NM_003835.4(RGS9):c.965A>T (p.Lys322Ile)

Gene: RGS9 (regulator of G protein signaling 9; plus strand). Cytogenetic location: 17q24.1.
Variant type: single nucleotide variant.
Coding change: c.965A>T on transcript NM_003835.4 (MANE Select); coding-DNA position 965, A replaced by T.
Protein change: p.Lys322Ile; replaces lysine 322 with isoleucine.
Molecular consequence: missense variant.
Genome position (GRCh38, 1-based): chr17:65,197,230, A>T. VCF-style: chr17-65197230-A-T. GRCh37 (hg19) VCF-style: chr17-63193348-A-T.
Other names: c.956A>T, p.Lys319Ile (NM_001081955.3, NM_001165933.2); short protein forms K319I, K322I.
Identifiers: ClinVar variation 1348081 (VCV001348081.8), dbSNP rs867222406, ClinGen allele CA293059049.